The following is an entry in ClinVar:

ClinVar aggregate classification (germline): Uncertain significance (1 of 4 stars; one submission).

Conditions:
Dystonic disorder. Also called: Dystonia. Identifiers: MedGen C0013421, MONDO:0003441, HP:0001332.

Submission:

Labcorp Genetics (formerly Invitae), Labcorp
Classification: Uncertain significance for Dystonic disorder. Last evaluated: 2024-06-11. Review status: criteria provided, single submitter. Criteria: Invitae Variant Classification Sherloc (09022015). Collection method: clinical testing. Allele origin: germline.
Comment: This variant, c.2235_2237del, results in the deletion of 1 amino acid(s) of the CIZ1 protein (p.Glu748del), but otherwise preserves the integrity of the reading frame. This variant is present in population databases (rs748948269, gnomAD 0.007%). This variant has not been reported in the literature in individuals affected with CIZ1-related conditions. Experimental studies and prediction algorithms are not available or were not evaluated, and the functional significance of this variant is currently unknown. In summary, the available evidence is currently insufficient to determine the role of this variant in disease. Therefore, it has been classified as a Variant of Uncertain Significance.

NM_001131016.2(CIZ1):c.2232AGA[1] (p.Glu748del)

Gene: CIZ1 (CDKN1A interacting zinc finger protein 1; minus strand). Cytogenetic location: 9q34.11.
Variant type: Microsatellite.
Coding change: c.2232AGA[1] on transcript NM_001131016.2 (MANE Select); one copy of the 3-base unit AGA starting at c.2232; the reference has two copies in a row; one copy, 3 bases deleted.
Protein change: p.Glu748del; deletes glutamic acid 748.
Genome position (GRCh38, 1-based): chr9:128,169,110-128,169,112, TCT deleted on the plus strand (AGA on the coding strand, the reverse complement: CIZ1 is on the minus strand); deleting any 3 consecutive bases within chr9:128,169,110-128,169,117 gives the same sequence; the position shown is the placement nearest the transcript's 3' end. VCF-style (leftmost placement, unchanged base first): chr9-128169109-CTCT-C. GRCh37 (hg19) VCF-style: chr9-130931388-CTCT-C.
Other names: c.2064AGA[1], p.Glu692del (NM_001131015.2); c.2049AGA[1], p.Glu687del (NM_001131017.2); c.1992AGA[1], p.Glu668del (NM_001131018.2); c.2400AGA[1], p.Glu804del (NM_001257975.2); c.1929AGA[1], p.Glu647del (NM_001257976.2); c.2232AGA[1], p.Glu748del (NM_012127.3); short protein forms E804del, E647del, E668del, E687del, E692del, E748del.
Identifiers: ClinVar variation 3708857 (VCV003708857.2).